The following is an entry in ClinVar:

NM_024577.4(SH3TC2):c.1839C>T (p.Leu613=)

Gene: SH3TC2 (SH3 domain and tetratricopeptide repeats 2; minus strand). Cytogenetic location: 5q32.
Variant type: single nucleotide variant.
Coding change: c.1839C>T on transcript NM_024577.4 (MANE Select); coding-DNA position 1839, C replaced by T.
Protein change: p.Leu613=; no amino-acid change (leucine 613 retained).
Molecular consequence: synonymous variant.
Genome position (GRCh38, 1-based): chr5:149,027,893, G>A on the plus strand (C>T on the coding strand, the complement: SH3TC2 is on the minus strand). VCF-style: chr5-149027893-G-A. GRCh37 (hg19) VCF-style: chr5-148407456-G-A.
Identifiers: ClinVar variation 414374 (VCV000414374.24), dbSNP rs182893450, ClinGen allele CA3499110.

ClinVar aggregate classification (germline): Likely benign. Review status: criteria provided, multiple submitters, no conflicts (2 of 4 stars). 7 submissions from 7 submitters: Likely benign (7). Last evaluated 2026-01-05.

Conditions:
SH3TC2-related disorder. Also called: SH3TC2-related condition; SH3TC2-related disorders. Identifiers: MedGen CN239303.
Inborn genetic diseases. Identifiers: MedGen C0950123, MeSH D030342.
Charcot-Marie-Tooth disease. Also called: Charcot-Marie-Tooth Hereditary Neuropathy; Charcot-Marie-Tooth Neuropathy. Identifiers: Orphanet 166, MedGen C0007959, MONDO:0015626.
Charcot-Marie-Tooth disease type 4. Also called: Charcot-Marie-Tooth, Type 4; Charcot-Marie-Tooth disease, type IV. Identifiers: Orphanet 64749, MedGen C4082197, MONDO:0018995.

Allele frequency attached by ClinVar (database versions not stated): ExAC 0.00005; gnomAD exomes 0.00006; gnomAD 0.00019; TOPMed 0.00035; 1000 Genomes Project 0.00040; 1000 Genomes Project 30x 0.00047.

Submissions (7):

Labcorp Genetics (formerly Invitae), Labcorp
Classification: Likely benign for Charcot-Marie-Tooth disease type 4. Last evaluated: 2026-01-05. Review status: criteria provided, single submitter. Criteria: Invitae Variant Classification Sherloc (09022015). Collection method: clinical testing. Allele origin: germline.

PreventionGenetics, part of Exact Sciences
Classification: Likely benign for SH3TC2-related condition. Last evaluated: 2025-11-25. Review status: criteria provided, single submitter. Criteria: ACMG Guidelines, 2015. Collection method: clinical testing. Allele origin: germline.
Comment: This variant is classified as likely benign based on ACMG/AMP sequence variant interpretation guidelines (Richards et al. 2015 PMID: 25741868, with internal and published modifications).

CeGaT Center for Human Genetics Tuebingen
Classification: Likely benign. Last evaluated: 2025-05-01. Review status: criteria provided, single submitter. Criteria: CeGaT Center For Human Genetics Tuebingen Variant Classification Criteria Version 2. Collection method: clinical testing. Allele origin: germline. Affected: yes. Observed: 1 variant allele.
Comment: SH3TC2: BP4, BP7

Blueprint Genetics
Classification: Likely benign. Last evaluated: 2023-10-19. Review status: criteria provided, single submitter. Criteria: ACMG Guidelines, 2015. Collection method: clinical testing. Allele origin: germline.

Ambry Genetics
Classification: Likely benign for Inborn genetic diseases. Last evaluated: 2019-07-11. Review status: criteria provided, single submitter. Criteria: Ambry Variant Classification Scheme 2023. Collection method: clinical testing. Allele origin: germline.

Breakthrough Genomics
Classification: Likely benign. Review status: criteria provided, single submitter. Criteria: ACMG Guidelines, 2015. Collection method: not provided. Allele origin: germline. Inheritance: Autosomal recessive inheritance. Affected: yes.

Molecular Genetics Laboratory, London Health Sciences Centre
Classification: Likely benign for Charcot-Marie-Tooth disease. Review status: criteria provided, single submitter. Criteria: ACMG Guidelines, 2015. Collection method: clinical testing. Allele origin: germline. Affected: yes.